The following is an entry in ClinVar:

ClinVar aggregate classification (germline): Uncertain significance. Review status: criteria provided, multiple submitters, no conflicts (2 of 4 stars). 2 submissions from 2 submitters: Uncertain significance (2). Last evaluated 2025-12-20.

Conditions:
Cardiovascular phenotype. Identifiers: MedGen CN230736.
RASopathy. Also called: rasopathies; Noonan spectrum disorder. Identifiers: Orphanet 536391, MedGen C5555857, MONDO:0021060.

gnomAD v4.1: 4 of 1,614,016 alleles (0.00025%); highest among the groups gnomAD compares: African/African-American, 0.0053%; no homozygotes.

Submissions (2):

Labcorp Genetics (formerly Invitae), Labcorp
Classification: Uncertain significance for RASopathy. Last evaluated: 2025-12-20. Review status: criteria provided, single submitter. Criteria: Invitae Variant Classification Sherloc (09022015). Collection method: clinical testing. Allele origin: germline.
Comment: This sequence change replaces phenylalanine, which is neutral and non-polar, with valine, which is neutral and non-polar, at codon 334 of the MAP2K1 protein (p.Phe334Val). This variant is present in population databases (rs751840710, gnomAD 0.007%). This variant has not been reported in the literature in individuals affected with MAP2K1-related conditions. ClinVar contains an entry for this variant (Variation ID: 3542697). Invitae Evidence Modeling of protein sequence and biophysical properties (such as structural, functional, and spatial information, amino acid conservation, physicochemical variation, residue mobility, and thermodynamic stability) indicates that this missense variant is expected to disrupt MAP2K1 protein function with a positive predictive value of 95%. In summary, the available evidence is currently insufficient to determine the role of this variant in disease. Therefore, it has been classified as a Variant of Uncertain Significance.

Ambry Genetics
Classification: Uncertain significance for Cardiovascular phenotype. Last evaluated: 2024-08-19. Review status: criteria provided, single submitter. Criteria: Ambry Variant Classification Scheme 2023. Collection method: clinical testing. Allele origin: germline.
Comment: The p.F334V variant (also known as c.1000T>G), located in coding exon 9 of the MAP2K1 gene, results from a T to G substitution at nucleotide position 1000. The phenylalanine at codon 334 is replaced by valine, an amino acid with highly similar properties. This amino acid position is conserved. In addition, the in silico prediction for this alteration is inconclusive. Based on the available evidence, the clinical significance of this variant remains unclear.

NM_002755.4(MAP2K1):c.1000T>G (p.Phe334Val)

Gene: MAP2K1 (mitogen-activated protein kinase kinase 1; plus strand). Cytogenetic location: 15q22.31.
Variant type: single nucleotide variant.
Coding change: c.1000T>G on transcript NM_002755.4 (MANE Select); coding-DNA position 1000, T replaced by G.
Protein change: p.Phe334Val; replaces phenylalanine 334 with valine.
Molecular consequence: missense variant.
Genome position (GRCh38, 1-based): chr15:66,489,254, T>G. VCF-style: chr15-66489254-T-G. GRCh37 (hg19) VCF-style: chr15-66781592-T-G.
Other names: c.856T>G, p.Phe286Val (NM_001411065.1); short protein forms F286V, F334V.
Identifiers: ClinVar variation 3542697 (VCV003542697.2).